The following is an entry in ClinVar:

NM_006063.3(KLHL41):c.1044T>G (p.Tyr348Ter)

Gene: KLHL41 (kelch like family member 41; plus strand). Cytogenetic location: 2q31.1.
Variant type: single nucleotide variant.
Coding change: c.1044T>G on transcript NM_006063.3 (MANE Select); coding-DNA position 1044, T replaced by G.
Protein change: p.Tyr348Ter; replaces tyrosine 348 with a stop codon.
Molecular consequence: nonsense.
Genome position (GRCh38, 1-based): chr2:169,510,822, T>G. VCF-style: chr2-169510822-T-G. GRCh37 (hg19) VCF-style: chr2-170367332-T-G.
Other names: short protein forms Y348*.
Identifiers: ClinVar variation 2022391 (VCV002022391.4), dbSNP rs1317318638, ClinGen allele CA349177816.

ClinVar aggregate classification (germline): Pathogenic (1 of 4 stars; one submission).

Conditions:
Nemaline myopathy 9 (NEM9). Identifiers: MedGen C3810384, MONDO:0014326, OMIM 615731.

Submission:

Labcorp Genetics (formerly Invitae), Labcorp
Classification: Pathogenic for Nemaline myopathy 9. Last evaluated: 2022-10-23. Review status: criteria provided, single submitter. Criteria: Invitae Variant Classification Sherloc (09022015). Collection method: clinical testing. Allele origin: germline.
Comment: For these reasons, this variant has been classified as Pathogenic. This variant has not been reported in the literature in individuals affected with KLHL41-related conditions. This variant is not present in population databases (gnomAD no frequency). This sequence change creates a premature translational stop signal (p.Tyr348*) in the KLHL41 gene. It is expected to result in an absent or disrupted protein product. Loss-of-function variants in KLHL41 are known to be pathogenic (PMID: 24268659).

Literature cited by the submitters: PubMed 24268659.